The following is an entry in ClinVar:

ClinVar aggregate classification (germline): Uncertain significance. Review status: criteria provided, multiple submitters, no conflicts (2 of 4 stars). 3 submissions from 3 submitters: Uncertain significance (3). Last evaluated 2025-11-26.

Conditions:
Polycystic kidney disease, adult type (PKD1). Also called: Polycystic Kidney, Autosomal Dominant; POLYCYSTIC KIDNEY DISEASE 1 WITH OR WITHOUT POLYCYSTIC LIVER DISEASE; Polycystic Kidney Disease 1, Autosomal Dominant; Polycystic kidney disease 1; Polycystic kidney disease 1, severe; POLYCYSTIC KIDNEY DISEASE, ADULT, TYPE I. Identifiers: MedGen C3149841, MONDO:0008263, OMIM 173900.
Inborn genetic diseases. Identifiers: MedGen C0950123, MeSH D030342.

Submissions (3):

Ambry Genetics
Classification: Uncertain significance for Inborn genetic diseases. Last evaluated: 2025-11-26. Review status: criteria provided, single submitter. Criteria: Ambry Variant Classification Scheme 2023. Collection method: clinical testing. Allele origin: germline.

GeneDx
Classification: Uncertain significance. Last evaluated: 2025-01-16. Review status: criteria provided, single submitter. Criteria: GeneDx Variant Classification Process June 2021. Collection method: clinical testing. Allele origin: germline. Affected: yes.
Comment: In silico analysis indicates that this missense variant does not alter protein structure/function; Has not been previously published as pathogenic or benign to our knowledge

Department of Pathology and Laboratory Medicine, Sinai Health System
Classification: Uncertain significance for Polycystic kidney disease, adult type. Last evaluated: 2023-01-20. Review status: criteria provided, single submitter. Criteria: ACMG Guidelines, 2015. Collection method: clinical testing. Allele origin: germline. Affected: yes.

NM_001009944.3(PKD1):c.3565G>A (p.Val1189Met)

Gene: PKD1 (polycystin 1, transient receptor potential channel interacting; minus strand). Cytogenetic location: 16p13.3.
Variant type: single nucleotide variant.
Coding change: c.3565G>A on transcript NM_001009944.3 (MANE Select); coding-DNA position 3565, G replaced by A.
Protein change: p.Val1189Met; replaces valine 1189 with methionine.
Molecular consequence: missense variant.
Genome position (GRCh38, 1-based): chr16:2,111,602, C>T on the plus strand (G>A on the coding strand, the complement: PKD1 is on the minus strand). VCF-style: chr16-2111602-C-T. GRCh37 (hg19) VCF-style: chr16-2161603-C-T.
Other names: c.3565G>A, p.Val1189Met (NM_000296.4); c.3565G>A (NM_000296.3); short protein forms V1189M.
Identifiers: ClinVar variation 3780240 (VCV003780240.3).